The following is an entry in ClinVar:

ClinVar aggregate classification (germline): Likely benign (0 of 4 stars; one submission).

Conditions:
FBXL4-related disorder. Also called: FBXL4-related condition.

Allele frequency attached by ClinVar (database versions not stated): gnomAD exomes below 0.00001.
gnomAD v4.1: 2 of 1,614,032 alleles (0.00012%); highest among the groups gnomAD compares: Non-Finnish European, 0.00017%; no homozygotes.

Submission:

PreventionGenetics, part of Exact Sciences
Classification: Likely benign for FBXL4-related condition. Last evaluated: 2020-04-13. Review status: no assertion criteria provided. Collection method: clinical testing. Allele origin: germline.
Comment: This variant is classified as likely benign based on ACMG/AMP sequence variant interpretation guidelines (Richards et al. 2015 PMID: 25741868, with internal and published modifications).

NM_001278716.2(FBXL4):c.678T>C (p.His226=)

Gene: FBXL4 (F-box and leucine rich repeat protein 4; minus strand). Cytogenetic location: 6q16.2.
Variant type: single nucleotide variant.
Coding change: c.678T>C on transcript NM_001278716.2 (MANE Select); coding-DNA position 678, T replaced by C.
Protein change: p.His226=; no amino-acid change (histidine 226 retained).
Molecular consequence: synonymous variant.
Genome position (GRCh38, 1-based): chr6:98,917,554, A>G on the plus strand (T>C on the coding strand, the complement: FBXL4 is on the minus strand). VCF-style: chr6-98917554-A-G. GRCh37 (hg19) VCF-style: chr6-99365430-A-G.
Other names: c.678T>C, p.His226= (NM_012160.5).
Identifiers: ClinVar variation 3054814 (VCV003054814.2), dbSNP rs2535102852, ClinGen allele CA451573554.